The following is an entry in ClinVar:

ClinVar aggregate classification (germline): Uncertain significance. Review status: criteria provided, multiple submitters, no conflicts (2 of 4 stars). 3 submissions from 3 submitters: Uncertain significance (3). Last evaluated 2025-10-21.

Conditions:
Inborn genetic diseases. Identifiers: MedGen C0950123, MeSH D030342.

Allele frequency attached by ClinVar (database versions not stated): gnomAD exomes below 0.00001.
gnomAD v4.1: 1 of 1,607,596 alleles (0.000062%); highest among the groups gnomAD compares: Non-Finnish European, 0.000085%; no homozygotes.

Submissions (3):

Labcorp Genetics (formerly Invitae), Labcorp
Classification: Uncertain significance. Last evaluated: 2025-10-21. Review status: criteria provided, single submitter. Criteria: Invitae Variant Classification Sherloc (09022015). Collection method: clinical testing. Allele origin: germline.
Comment: This sequence change replaces alanine, which is neutral and non-polar, with valine, which is neutral and non-polar, at codon 1662 of the CACNA1D protein (p.Ala1662Val). This variant is not present in population databases (gnomAD no frequency). This variant has not been reported in the literature in individuals affected with CACNA1D-related conditions. ClinVar contains an entry for this variant (Variation ID: 1306396). An algorithm developed to predict the effect of missense changes on protein structure and function (PolyPhen-2) suggests that this variant is likely to be tolerated. In summary, the available evidence is currently insufficient to determine the role of this variant in disease. Therefore, it has been classified as a Variant of Uncertain Significance.

Ambry Genetics
Classification: Uncertain significance for Inborn genetic diseases. Last evaluated: 2025-08-27. Review status: criteria provided, single submitter. Criteria: Ambry Variant Classification Scheme 2023. Collection method: clinical testing. Allele origin: germline.

GeneDx
Classification: Uncertain significance. Last evaluated: 2019-06-29. Review status: criteria provided, single submitter. Criteria: GeneDx Variant Classification Process June 2021. Collection method: clinical testing. Allele origin: germline. Affected: yes.
Comment: Not observed in large population cohorts (Lek et al., 2016); In silico analysis, which includes protein predictors and evolutionary conservation, supports a deleterious effect; Has not been previously published as pathogenic or benign to our knowledge

NM_001128840.3(CACNA1D):c.4925C>T (p.Ala1642Val)

Gene: CACNA1D (calcium voltage-gated channel subunit alpha1 D; plus strand). Cytogenetic location: 3p21.1.
Variant type: single nucleotide variant.
Coding change: c.4925C>T on transcript NM_001128840.3 (MANE Select); coding-DNA position 4925, C replaced by T.
Protein change: p.Ala1642Val; replaces alanine 1642 with valine.
Molecular consequence: missense variant.
Genome position (GRCh38, 1-based): chr3:53,800,250, C>T. VCF-style: chr3-53800250-C-T. GRCh37 (hg19) VCF-style: chr3-53834277-C-T.
Other names: c.4985C>T, p.Ala1662Val (NM_000720.4); c.4880C>T, p.Ala1627Val (NM_001128839.3); short protein forms A1627V, A1642V, A1662V.
Identifiers: ClinVar variation 1306396 (VCV001306396.4), dbSNP rs2106766763, ClinGen allele CA353249493.